The following is an entry in ClinVar:

NM_006268.5(DPF2):c.868G>A (p.Glu290Lys)

Gene: DPF2 (double PHD fingers 2; plus strand). Cytogenetic location: 11q13.1.
Variant type: single nucleotide variant.
Coding change: c.868G>A on transcript NM_006268.5 (MANE Select); coding-DNA position 868, G replaced by A.
Protein change: p.Glu290Lys; replaces glutamic acid 290 with lysine.
Molecular consequence: missense variant.
Genome position (GRCh38, 1-based): chr11:65,346,022, G>A. VCF-style: chr11-65346022-G-A. GRCh37 (hg19) VCF-style: chr11-65113493-G-A.
Other names: c.910G>A, p.Glu304Lys (NM_001330308.2); short protein forms E290K, E304K.
Identifiers: ClinVar variation 3252679 (VCV003252679.2), dbSNP rs2495406063.

ClinVar aggregate classification (germline): Conflicting classifications of pathogenicity. Review status: criteria provided, conflicting classifications (1 of 4 stars). 2 submissions from 2 submitters: Pathogenic (1); Uncertain significance (1). Last evaluated 2025-04-03.

Conditions:
Inborn genetic diseases. Identifiers: MedGen C0950123, MeSH D030342.

Submissions (2):

Ambry Genetics
Classification: Uncertain significance for Inborn genetic diseases. Last evaluated: 2025-04-03. Review status: criteria provided, single submitter. Criteria: Ambry Variant Classification Scheme 2023. Collection method: clinical testing. Allele origin: germline.

GeneDx
Classification: Pathogenic. Last evaluated: 2024-01-28. Review status: criteria provided, single submitter. Criteria: GeneDx Variant Classification Process June 2021. Collection method: clinical testing. Allele origin: germline. Affected: yes.
Comment: Not observed at significant frequency in large population cohorts (gnomAD); In silico analysis supports that this missense variant has a deleterious effect on protein structure/function; Has not been previously published as pathogenic or benign to our knowledge